The following is an entry in ClinVar:

ClinVar aggregate classification (germline): Uncertain significance (1 of 4 stars; one submission).

gnomAD v4.1: 3 of 1,600,754 alleles (0.00019%); highest among the groups gnomAD compares: Admixed American, 0.0017%; no homozygotes.

Submission:

Ambry Genetics
Classification: Uncertain significance. Last evaluated: 2026-05-10. Review status: criteria provided, single submitter. Criteria: Ambry Variant Classification Scheme 2023. Collection method: clinical testing. Allele origin: germline.
Comment: The c.692G>A (p.R231Q) alteration is located in exon 6 (coding exon 6) of the MLLT1 gene. This alteration results from a G to A substitution at nucleotide position 692, causing the arginine (R) at amino acid position 231 to be replaced by a glutamine (Q). Based on data from gnomAD, the A allele has an overall frequency of <0.001% (1/240128) total alleles studied. The highest observed frequency was 0.003% (1/34466) of Latino alleles. Based on insufficient or conflicting evidence, the clinical significance of this alteration remains unclear.

NM_005934.4(MLLT1):c.692G>A (p.Arg231Gln)

Gene: MLLT1 (MLLT1 super elongation complex subunit; minus strand). Cytogenetic location: 19p13.3.
Variant type: single nucleotide variant.
Coding change: c.692G>A on transcript NM_005934.4 (MANE Select); coding-DNA position 692, G replaced by A.
Protein change: p.Arg231Gln; replaces arginine 231 with glutamine.
Molecular consequence: missense variant.
Genome position (GRCh38, 1-based): chr19:6,222,539, C>T on the plus strand (G>A on the coding strand, the complement: MLLT1 is on the minus strand). VCF-style: chr19-6222539-C-T. GRCh37 (hg19) VCF-style: chr19-6222550-C-T.
Other names: short protein forms R231Q.
Identifiers: ClinVar variation 4860242 (VCV004860242.1).